The following is an entry in ClinVar:

NM_001040108.2(MLH3):c.4069T>C (p.Leu1357=)

Gene: MLH3 (mutL homolog 3; minus strand). Cytogenetic location: 14q24.3.
Variant type: single nucleotide variant.
Coding change: c.4069T>C on transcript NM_001040108.2 (MANE Select); coding-DNA position 4069, T replaced by C.
Protein change: p.Leu1357=; no amino-acid change (leucine 1357 retained).
Molecular consequence: synonymous variant.
Genome position (GRCh38, 1-based): chr14:75,022,835, A>G on the plus strand (T>C on the coding strand, the complement: MLH3 is on the minus strand). VCF-style: chr14-75022835-A-G. GRCh37 (hg19) VCF-style: chr14-75489538-A-G.
Other names: c.3997T>C, p.Leu1333= (NM_014381.3).
Identifiers: ClinVar variation 2561655 (VCV002561655.3), dbSNP rs1251237022, ClinGen allele CA487175402.

ClinVar aggregate classification (germline): Benign/Likely benign. Review status: criteria provided, multiple submitters, no conflicts (2 of 4 stars). 2 submissions from 2 submitters: Benign (1); Likely benign (1). Last evaluated 2026-05-06.

Conditions:
Colorectal cancer, hereditary nonpolyposis, type 7. Identifiers: Orphanet 144, MedGen C1858380, MONDO:0013725, OMIM 614385.

Allele frequency attached by ClinVar (database versions not stated): gnomAD exomes below 0.00001.
gnomAD v4.1: 6 of 1,614,078 alleles (0.00037%); highest among the groups gnomAD compares: South Asian, 0.0066%; no homozygotes.

Submissions (2):

Myriad Genetics, Inc.
Classification: Benign for Colorectal cancer, hereditary nonpolyposis, type 7. Last evaluated: 2026-05-06. Review status: criteria provided, single submitter. Criteria: Myriad Autosomal Dominant, Autosomal Recessive and X-Linked Classification Criteria (2023). Collection method: clinical testing. Allele origin: unknown.
Comment: This variant is considered benign. This variant is a silent/synonymous amino acid change and it is not expected to impact splicing.

Ambry Genetics
Classification: Likely benign. Last evaluated: 2023-05-05. Review status: criteria provided, single submitter. Criteria: Ambry Variant Classification Scheme 2023. Collection method: clinical testing. Allele origin: germline.